The following is an entry in ClinVar:

ClinVar aggregate classification (germline): Likely benign. Review status: criteria provided, multiple submitters, no conflicts (2 of 4 stars). 2 submissions from 2 submitters: Likely benign (2). Last evaluated 2025-10-20.

Allele frequency attached by ClinVar (database versions not stated): gnomAD exomes below 0.00001; TOPMed below 0.00001; gnomAD 0.00001.
gnomAD v4.1: 7 of 1,610,654 alleles (0.00043%); highest among the groups gnomAD compares: Admixed American, 0.0017%; no homozygotes.

Submissions (2):

Labcorp Genetics (formerly Invitae), Labcorp
Classification: Likely benign. Last evaluated: 2025-10-20. Review status: criteria provided, single submitter. Criteria: Invitae Variant Classification Sherloc (09022015). Collection method: clinical testing. Allele origin: germline.

CeGaT Center for Human Genetics Tuebingen
Classification: Likely benign. Last evaluated: 2024-12-01. Review status: criteria provided, single submitter. Criteria: CeGaT Center For Human Genetics Tuebingen Variant Classification Criteria Version 2. Collection method: clinical testing. Allele origin: germline. Affected: yes. Observed: 1 variant allele.
Comment: SON: BP4, BP7

NM_138927.4(SON):c.1797G>A (p.Pro599=)

Gene: SON (SON DNA and RNA binding protein; plus strand). Cytogenetic location: 21q22.11.
Variant type: single nucleotide variant.
Coding change: c.1797G>A on transcript NM_138927.4 (MANE Select); coding-DNA position 1797, G replaced by A.
Protein change: p.Pro599=; no amino-acid change (proline 599 retained).
Molecular consequence: synonymous variant. On other transcripts: non-coding transcript variant (1), intron variant (1).
Genome position (GRCh38, 1-based): chr21:33,551,028, G>A. VCF-style: chr21-33551028-G-A. GRCh37 (hg19) VCF-style: chr21-34923334-G-A.
Other names: c.1797G>A, p.Pro599= (NM_001291411.2, NM_001412133.1, NM_032195.3 and 2 more transcripts); c.244+4649G>A (NM_001291412.3).
Identifiers: ClinVar variation 3016222 (VCV003016222.16), dbSNP rs1259425329, ClinGen allele CA512336742.